The following is an entry in ClinVar:

NM_000379.4(XDH):c.1329G>A (p.Lys443=)

Gene: XDH (xanthine dehydrogenase; minus strand). Cytogenetic location: 2p23.1.
Variant type: single nucleotide variant.
Coding change: c.1329G>A on transcript NM_000379.4 (MANE Select); coding-DNA position 1329, G replaced by A.
Protein change: p.Lys443=; no amino-acid change (lysine 443 retained).
Molecular consequence: synonymous variant.
Genome position (GRCh38, 1-based): chr2:31,377,151, C>T on the plus strand (G>A on the coding strand, the complement: XDH is on the minus strand). VCF-style: chr2-31377151-C-T. GRCh37 (hg19) VCF-style: chr2-31600017-C-T.
Other names: p.Lys443=.
Identifiers: ClinVar variation 897064 (VCV000897064.18), dbSNP rs45471294, ClinGen allele CA1599266.

ClinVar aggregate classification (germline): Benign/Likely benign. Review status: criteria provided, multiple submitters, no conflicts (2 of 4 stars). 6 submissions from 6 submitters: Benign (4); Likely benign (2). Last evaluated 2026-02-01.

Conditions:
Xanthinuria type II. Also called: Xanthine dehydrogenase and aldehyde oxidase combined deficiency of; XDH and AOX dual deficiency. Identifiers: Orphanet 3467, Orphanet 93602, MedGen C1863688, MONDO:0011346, OMIM 603592.
Hereditary xanthinuria type 1 (XAN1). Identifiers: Orphanet 3467, Orphanet 93601, MedGen C0268118, MONDO:0010209, OMIM 278300.

Allele frequency attached by ClinVar (database versions not stated): 1000 Genomes Project 30x 0.01046; 1000 Genomes Project 0.01158; TOPMed 0.01357; gnomAD 0.01418 and 0.01464; ESP Exome Variant Server 0.01699; gnomAD exomes 0.01905 and 0.02136; ExAC 0.02002.
gnomAD v4.1: 33,426 of 1,614,098 alleles (2.1%); highest among the groups gnomAD compares: South Asian, 3.2%; 423 homozygotes.

Submissions (6):

Labcorp Genetics (formerly Invitae), Labcorp
Classification: Benign for Xanthinuria type II. Last evaluated: 2026-02-01. Review status: criteria provided, single submitter. Criteria: Invitae Variant Classification Sherloc (09022015). Collection method: clinical testing. Allele origin: germline.

Mayo Clinic Laboratories, Mayo Clinic
Classification: Benign. Last evaluated: 2023-01-15. Review status: criteria provided, single submitter. Criteria: ACMG Guidelines, 2015. Collection method: clinical testing. Allele origin: germline. Observed: 6 variant alleles.

Genome-Nilou Lab
Classification: Benign for Hereditary xanthinuria type 1. Last evaluated: 2021-12-05. Review status: criteria provided, single submitter. Criteria: ACMG Guidelines, 2015. Collection method: clinical testing. Allele origin: germline. Affected: no.

GeneDx
Classification: Likely benign. Last evaluated: 2020-07-28. Review status: criteria provided, single submitter. Criteria: GeneDx Variant Classification Process June 2021. Collection method: clinical testing. Allele origin: germline. Affected: yes.

Illumina Laboratory Services, Illumina
Classification: Benign for Hereditary xanthinuria type 1. Last evaluated: 2018-01-13. Review status: criteria provided, single submitter. Criteria: ICSL Variant Classification Criteria 13 December 2019. Collection method: clinical testing. Allele origin: germline.
Comment: This variant was observed in the ICSL laboratory as part of a predisposition screen in an ostensibly healthy population. It had not been previously curated by ICSL or reported in the Human Gene Mutation Database (HGMD: prior to June 1st, 2018), and was therefore a candidate for classification through an automated scoring system. Utilizing variant allele frequency, disease prevalence and penetrance estimates, and inheritance mode, an automated score was calculated to assess if this variant is too frequent to cause the disease. Based on the score and internal cut-off values, a variant classified as benign is not then subjected to further curation. The score for this variant resulted in a classification of benign for this disease.

Breakthrough Genomics
Classification: Likely benign. Review status: criteria provided, single submitter. Criteria: ACMG Guidelines, 2015. Collection method: not provided. Allele origin: germline. Inheritance: Autosomal recessive inheritance. Affected: yes.